The following is an entry in ClinVar:

ClinVar aggregate classification (germline): Likely benign. Review status: criteria provided, multiple submitters, no conflicts (2 of 4 stars). 10 submissions from 10 submitters: Likely benign (8). 2 of the submissions do not count toward it. Last evaluated 2026-02-03.

Conditions:
Inborn genetic diseases. Identifiers: MedGen C0950123, MeSH D030342.
Brown-Vialetto-van Laere syndrome 2. Also called: Riboflavin transporter deficiency type 2; SPINOCEREBELLAR ATAXIA WITH BLINDNESS AND DEAFNESS 2. Identifiers: Orphanet 572543, Orphanet 97229, MedGen C3553538, MONDO:0013867, OMIM 614707.

Allele frequency attached by ClinVar (database versions not stated): 1000 Genomes Project 0.00020; gnomAD 0.00086 and 0.00090; 1000 Genomes Project 30x 0.00016; gnomAD exomes 0.00060 and 0.00071; ExAC 0.00079; TOPMed 0.00062; ESP Exome Variant Server 0.00123.

Submissions (10):

Labcorp Genetics (formerly Invitae), Labcorp
Classification: Likely benign for Brown-Vialetto-van Laere syndrome 2. Last evaluated: 2026-02-03. Review status: criteria provided, single submitter. Criteria: Invitae Variant Classification Sherloc (09022015). Collection method: clinical testing. Allele origin: germline.

CeGaT Center for Human Genetics Tuebingen
Classification: Likely benign. Last evaluated: 2025-11-01. Review status: criteria provided, single submitter. Criteria: CeGaT Center For Human Genetics Tuebingen Variant Classification Criteria Version 2. Collection method: clinical testing. Allele origin: germline. Affected: yes. Observed: 9 variant alleles.
Comment: SLC52A2: BP4, BP7

Mayo Clinic Laboratories, Mayo Clinic
Classification: Likely benign. Last evaluated: 2025-09-03. Review status: criteria provided, single submitter. Criteria: ACMG Guidelines, 2015. Collection method: clinical testing. Allele origin: germline. Observed: 7 variant alleles.
Comment: BS1, BP4, BP7

Laboratory of Genetics, Children's Clinical University Hospital Latvia
Classification: Likely benign. Last evaluated: 2025-02-16. Review status: criteria provided, single submitter. Criteria: ACMG Guidelines, 2015. Collection method: clinical testing. Allele origin: germline. Affected: yes.

Blueprint Genetics
Classification: Likely benign. Last evaluated: 2024-11-20. Review status: criteria provided, single submitter. Criteria: ACMG Guidelines, 2015. Collection method: clinical testing. Allele origin: germline.

GeneDx
Classification: Likely benign. Last evaluated: 2021-02-12. Review status: criteria provided, single submitter. Criteria: GeneDx Variant Classification Process June 2021. Collection method: clinical testing. Allele origin: germline. Affected: yes.

Ambry Genetics
Classification: Likely benign for Inborn genetic diseases. Last evaluated: 2019-07-11. Review status: criteria provided, single submitter. Criteria: Ambry Variant Classification Scheme 2023. Collection method: clinical testing. Allele origin: germline.

Laboratory for Molecular Medicine, Mass General Brigham Personalized Medicine
Classification: Likely benign. Last evaluated: 2017-08-23. Review status: criteria provided, single submitter. Criteria: LMM Criteria. Collection method: clinical testing. Allele origin: germline. Observed: 1 variant allele.
Comment: p.Asp76Asp in exon 3 of SLC52A2: This variant is not expected to have clinical s ignificance because it does not alter an amino acid residue and is not located w ithin the splice consensus sequence. It has been identified in 0.13% (89/66312) of European chromosomes by the Exome Aggregation Consortium (ExAC; dbSNP rs111588500).

Clinical Genetics DNA and cytogenetics Diagnostics Lab, Erasmus MC, Erasmus Medical Center
Classification: Likely benign. Review status: no assertion criteria provided. Collection method: clinical testing. Allele origin: germline. Affected: yes. Study: VKGL Data-share Consensus. Not counted in ClinVar's aggregate classification.

Genome Diagnostics Laboratory, University Medical Center Utrecht
Classification: Likely benign. Review status: no assertion criteria provided. Collection method: clinical testing. Allele origin: germline. Affected: yes. Study: VKGL Data-share Consensus. Not counted in ClinVar's aggregate classification.

NM_001363118.2(SLC52A2):c.228C>T (p.Asp76=)

Gene: SLC52A2 (solute carrier family 52 member 2; plus strand). Cytogenetic location: 8q24.3.
Variant type: single nucleotide variant.
Coding change: c.228C>T on transcript NM_001363118.2 (MANE Select); coding-DNA position 228, C replaced by T.
Protein change: p.Asp76=; no amino-acid change (aspartic acid 76 retained).
Molecular consequence: synonymous variant. On other transcripts: non-coding transcript variant (1), intron variant (1).
Genome position (GRCh38, 1-based): chr8:144,359,720, C>T. VCF-style: chr8-144359720-C-T. GRCh37 (hg19) VCF-style: chr8-145583380-C-T.
Other names: p.Asp76=; c.228C>T, p.Asp76= (NM_001253815.2, NM_001253816.2, NM_001363120.2 and 2 more transcripts); c.130+297C>T (NM_001363122.2).
Identifiers: ClinVar variation 384746 (VCV000384746.56), dbSNP rs111588500, ClinGen allele CA4938147.